The following is an entry in ClinVar:

NM_030973.4(MED25):c.1730G>A (p.Arg577Lys)

Gene: MED25 (mediator complex subunit 25; plus strand). Cytogenetic location: 19q13.33.
Variant type: single nucleotide variant.
Coding change: c.1730G>A on transcript NM_030973.4 (MANE Select); coding-DNA position 1730, G replaced by A.
Protein change: p.Arg577Lys; replaces arginine 577 with lysine.
Molecular consequence: missense variant.
Genome position (GRCh38, 1-based): chr19:49,835,589, G>A. VCF-style: chr19-49835589-G-A. GRCh37 (hg19) VCF-style: chr19-50338846-G-A.
Other names: c.1730G>A, p.Arg577Lys (NM_001378355.1); short protein forms R577K.
Identifiers: ClinVar variation 2107393 (VCV002107393.4), dbSNP rs1480346753, ClinGen allele CA406919588.
Genomic context (GRCh38, chr19:49,835,589, plus strand): 5'-TGCAGATGGGGGGACAGCAGGCACCCCCAGGGCTGGGGCCCATTCTGGAGGACCAAGCCA[G>A]GCCCTCACAGAATCTGGTGAGGACAGGGCTGGCGGGGTCGGGGCTGGGTTGGGGAGGCCC-3'
Protein context (NP_112235.2, residues 567-587): GLGPILEDQA[Arg577Lys]PSQNLLQLRP

ClinVar aggregate classification (germline): Uncertain significance (1 of 4 stars; one submission).

Conditions:
Charcot-Marie-Tooth disease type 2. Also called: Charcot-Marie-Tooth type 2. Identifiers: Orphanet 64746, MedGen C0270914, MONDO:0018993.

Allele frequency attached by ClinVar (database versions not stated): gnomAD exomes below 0.00001.
gnomAD v4.1: 4 of 1,564,020 alleles (0.00026%); highest among the groups gnomAD compares: Admixed American, 0.0056%; no homozygotes.

Submission:

Labcorp Genetics (formerly Invitae), Labcorp
Classification: Uncertain significance for Charcot-Marie-Tooth disease type 2. Last evaluated: 2022-03-06. Review status: criteria provided, single submitter. Criteria: Invitae Variant Classification Sherloc (09022015). Collection method: clinical testing. Allele origin: germline.
Comment: In summary, the available evidence is currently insufficient to determine the role of this variant in disease. Therefore, it has been classified as a Variant of Uncertain Significance. This sequence change replaces arginine, which is basic and polar, with lysine, which is basic and polar, at codon 577 of the MED25 protein (p.Arg577Lys). The frequency data for this variant in the population databases is considered unreliable, as metrics indicate poor data quality at this position in the gnomAD database. This variant has not been reported in the literature in individuals affected with MED25-related conditions. Algorithms developed to predict the effect of missense changes on protein structure and function (SIFT, PolyPhen-2, Align-GVGD) all suggest that this variant is likely to be tolerated.